The following is an entry in ClinVar:

ClinVar aggregate classification (germline): Uncertain significance (1 of 4 stars; one submission).

Submission:

GeneDx
Classification: Uncertain significance. Last evaluated: 2025-02-12. Review status: criteria provided, single submitter. Criteria: GeneDx Variant Classification Process June 2021. Collection method: clinical testing. Allele origin: germline. Affected: yes.
Comment: Not observed at significant frequency in large population cohorts (gnomAD); In silico analysis indicates that this missense variant does not alter protein structure/function; Has not been previously published as pathogenic or benign to our knowledge

NM_001394372.1(BICRA):c.788T>C (p.Leu263Pro)

Gene: BICRA (BRD4 interacting chromatin remodeling complex associated protein; plus strand). Cytogenetic location: 19q13.33.
Variant type: single nucleotide variant.
Coding change: c.788T>C on transcript NM_001394372.1 (MANE Select); coding-DNA position 788, T replaced by C.
Protein change: p.Leu263Pro; replaces leucine 263 with proline.
Molecular consequence: missense variant.
Genome position (GRCh38, 1-based): chr19:47,679,958, T>C. VCF-style: chr19-47679958-T-C. GRCh37 (hg19) VCF-style: chr19-48183215-T-C.
Other names: c.788T>C, p.Leu263Pro (NM_015711.3); short protein forms L263P.
Identifiers: ClinVar variation 4075637 (VCV004075637.1).